The following is an entry in ClinVar:

ClinVar aggregate classification (germline): Uncertain significance (1 of 4 stars; one submission).

Conditions:
Inborn genetic diseases. Identifiers: MedGen C0950123, MeSH D030342.

Submission:

Ambry Genetics
Classification: Uncertain significance for Inborn genetic diseases. Last evaluated: 2023-12-12. Review status: criteria provided, single submitter. Criteria: Ambry Variant Classification Scheme 2023. Collection method: clinical testing. Allele origin: germline.
Comment: The p.P1232L variant (also known as c.3695C>T), located in coding exon 27 of the LTBP3 gene, results from a C to T substitution at nucleotide position 3695. The proline at codon 1232 is replaced by leucine, an amino acid with similar properties. This amino acid position is conserved. In addition, the in silico prediction for this alteration is inconclusive. Since supporting evidence is limited at this time, the clinical significance of this alteration remains unclear.

NM_001130144.3(LTBP3):c.3695C>T (p.Pro1232Leu)

Gene: LTBP3 (latent transforming growth factor beta binding protein 3; minus strand). Cytogenetic location: 11q13.1.
Variant type: single nucleotide variant.
Coding change: c.3695C>T on transcript NM_001130144.3 (MANE Select); coding-DNA position 3695, C replaced by T.
Protein change: p.Pro1232Leu; replaces proline 1232 with leucine.
Molecular consequence: missense variant.
Genome position (GRCh38, 1-based): chr11:65,539,393, G>A on the plus strand (C>T on the coding strand, the complement: LTBP3 is on the minus strand). VCF-style: chr11-65539393-G-A. GRCh37 (hg19) VCF-style: chr11-65306864-G-A.
Other names: c.3203C>T, p.Pro1068Leu (NM_001164266.1); c.3554C>T, p.Pro1185Leu (NM_021070.4); short protein forms P1068L, P1185L, P1232L.
Identifiers: ClinVar variation 3233179 (VCV003233179.1), dbSNP rs1855954624, ClinGen allele CA381266286.